The following is an entry in ClinVar:

ClinVar aggregate classification (germline): Conflicting classifications of pathogenicity. Review status: criteria provided, conflicting classifications (1 of 4 stars). 5 submissions from 5 submitters: Uncertain significance (1); Likely benign (4). Last evaluated 2025-10-13.

Conditions:
ARID1B-Related Disorder. Identifiers: MedGen CN381337.

gnomAD v4.1: 55 of 1,237,148 alleles (0.0044%); highest among the groups gnomAD compares: Middle Eastern, 0.045%; no homozygotes.

Submissions (5):

PreventionGenetics, part of Exact Sciences
Classification: Uncertain significance for ARID1B-related condition. Last evaluated: 2025-10-13. Review status: criteria provided, single submitter. Criteria: ACMG Guidelines, 2015. Collection method: clinical testing. Allele origin: germline.
Comment: The ARID1B c.1187G>C variant is predicted to result in the amino acid substitution p.Gly396Ala. To our knowledge, this variant has not been reported in the literature. This variant is reported in 0.039% of alleles in individuals of European (Non-Finnish) descent in gnomAD. Although we suspect that this variant may be benign, at this time, the clinical significance of this variant is uncertain due to the absence of conclusive functional and genetic evidence.

Labcorp Genetics (formerly Invitae), Labcorp
Classification: Likely benign. Last evaluated: 2024-12-15. Review status: criteria provided, single submitter. Criteria: Invitae Variant Classification Sherloc (09022015). Collection method: clinical testing. Allele origin: germline.

CeGaT Center for Human Genetics Tuebingen
Classification: Likely benign. Last evaluated: 2023-05-01. Review status: criteria provided, single submitter. Criteria: CeGaT Center For Human Genetics Tuebingen Variant Classification Criteria Version 2. Collection method: clinical testing. Allele origin: germline. Affected: yes. Observed: 2 variant alleles.
Comment: ARID1B: BS2

GeneDx
Classification: Likely benign. Last evaluated: 2020-02-17. Review status: criteria provided, single submitter. Criteria: GeneDx Variant Classification Process June 2021. Collection method: clinical testing. Allele origin: germline. Affected: yes.
Comment: This variant is associated with the following publications: (PMID: 22405089)

Breakthrough Genomics
Classification: Likely benign. Review status: criteria provided, single submitter. Criteria: ACMG Guidelines, 2015. Collection method: not provided. Allele origin: germline. Inheritance: Autosomal dominant inheritance. Affected: yes.

NM_001374828.1(ARID1B):c.1436G>C (p.Gly479Ala)

Gene: ARID1B (AT-rich interaction domain 1B; plus strand). Cytogenetic location: 6q25.3.
Variant type: single nucleotide variant.
Coding change: c.1436G>C on transcript NM_001374828.1 (MANE Select); coding-DNA position 1436, G replaced by C.
Protein change: p.Gly479Ala; replaces glycine 479 with alanine.
Molecular consequence: missense variant.
Genome position (GRCh38, 1-based): chr6:156,779,116, G>C. VCF-style: chr6-156779116-G-C. GRCh37 (hg19) VCF-style: chr6-157100250-G-C.
Other names: c.1187G>C (NM_020732.3); c.1436G>C, p.Gly479Ala (NM_001371656.1, NM_001374820.1, NM_017519.3); short protein forms G479A.
Identifiers: ClinVar variation 1207389 (VCV001207389.31), dbSNP rs760718156, ClinGen allele CA4066735.